The following is an entry in ClinVar:

ClinVar aggregate classification (germline): Uncertain significance (1 of 4 stars; one submission).

Conditions:
Mitochondrial complex V (ATP synthase) deficiency, nuclear type 2. Also called: Nuclear-Encoded ATPase Deficiency, TMEM70-Related; MITOCHONDRIAL COMPLEX V (ATP SYNTHASE) DEFICIENCY, TMEM70 TYPE; ENCEPHALOCARDIOMYOPATHY, MITOCHONDRIAL, NEONATAL, DUE TO ATP SYNTHASE DEFICIENCY. Identifiers: Orphanet 1194, MedGen C3279699, MONDO:0013546, OMIM 614052.

Submission:

Labcorp Genetics (formerly Invitae), Labcorp
Classification: Uncertain significance for Mitochondrial complex V (ATP synthase) deficiency, nuclear type 2. Last evaluated: 2022-03-18. Review status: criteria provided, single submitter. Criteria: Invitae Variant Classification Sherloc (09022015). Collection method: clinical testing. Allele origin: germline.
Comment: This sequence change replaces serine, which is neutral and polar, with alanine, which is neutral and non-polar, at codon 133 of the TMEM70 protein (p.Ser133Ala). This variant is not present in population databases (gnomAD no frequency). This variant has not been reported in the literature in individuals affected with TMEM70-related conditions. Algorithms developed to predict the effect of missense changes on protein structure and function (SIFT, PolyPhen-2, Align-GVGD) all suggest that this variant is likely to be tolerated. In summary, the available evidence is currently insufficient to determine the role of this variant in disease. Therefore, it has been classified as a Variant of Uncertain Significance.

NM_017866.6(TMEM70):c.397T>G (p.Ser133Ala)

Gene: TMEM70 (transmembrane protein 70; plus strand). Cytogenetic location: 8q21.11.
Variant type: single nucleotide variant.
Coding change: c.397T>G on transcript NM_017866.6 (MANE Select); coding-DNA position 397, T replaced by G.
Protein change: p.Ser133Ala; replaces serine 133 with alanine.
Molecular consequence: missense variant. On other transcripts: 3 prime UTR variant (1), non-coding transcript variant (1).
Genome position (GRCh38, 1-based): chr8:73,981,235, T>G. VCF-style: chr8-73981235-T-G. GRCh37 (hg19) VCF-style: chr8-74893470-T-G.
Other names: c.*87T>G (NM_001040613.3); short protein forms S133A.
Identifiers: ClinVar variation 1971606 (VCV001971606.5), dbSNP rs2536395776, ClinGen allele CA371489902.
Genomic context (GRCh38, chr8:73,981,235, plus strand): 5'-TCTACGAGTCTGATTGGCCTTACATTTCTGCCATACATTTTTACACAAAATAATGCTATT[T>G]CTGAAAGTGTGCCTCTGCCTATTCAAATCATATTCTATGGCATCATGGGAAGCTTTACGG-3'
Protein context (NP_060336.3, residues 123-143): PYIFTQNNAI[Ser133Ala]ESVPLPIQII